The following is an entry in ClinVar:

NM_000059.4(BRCA2):c.3060_3061del (p.Glu1021fs)

Gene: BRCA2 (BRCA2 DNA repair associated; plus strand). Cytogenetic location: 13q13.1.
Variant type: Deletion.
Coding change: c.3060_3061del on transcript NM_000059.4 (MANE Select); coding-DNA positions 3060 to 3061, 2 bases deleted (TG; older notation c.3060_3061delTG).
Protein change: p.Glu1021fs; shifts the reading frame from glutamic acid 1021.
Molecular consequence: frameshift variant.
Genome position (GRCh38, 1-based): chr13:32,337,415-32,337,416, TG deleted. VCF-style (leftmost placement, unchanged base first): chr13-32337414-CTG-C. GRCh37 (hg19) VCF-style: chr13-32911551-CTG-C.
Other names: c.3060_3061delTG (NM_000059.3); short protein forms E1021fs.
Identifiers: ClinVar variation 420963 (VCV000420963.4), dbSNP rs1064794821, ClinGen allele CA16619681.

ClinVar aggregate classification (germline): Pathogenic. Review status: reviewed by expert panel (3 of 4 stars). 4 submissions from 4 submitters: Pathogenic (1). 3 of the submissions do not count toward it. Last evaluated 2017-12-15.

Conditions:
Breast-ovarian cancer, familial, susceptibility to, 2 (BROVCA2). Also called: BRCA2 Hereditary Breast and Ovarian Cancer. Identifiers: Orphanet 145, MedGen C2675520, MONDO:0012933, OMIM 612555. Disease mechanism: loss of function.
Hereditary breast ovarian cancer syndrome. Also called: Hereditary breast and ovarian cancer syndrome; BRCA1- and BRCA2-Associated Hereditary Breast and Ovarian Cancer; Hereditary breast and/or ovarian cancer syndrome; Hereditary breast and ovarian cancer; Breast and ovarian cancer; Hereditary breast and ovarian cancer syndrome (HBOC). Identifiers: Orphanet 145, MedGen C0677776, MeSH D061325, MONDO:0003582. Disease mechanism: loss of function.

Submissions (4):

Evidence-based Network for the Interpretation of Germline Mutant Alleles (ENIGMA)
Classification: Pathogenic for Breast-ovarian cancer, familial, susceptibility to, 2. Last evaluated: 2017-12-15. Review status: reviewed by expert panel. Criteria: ENIGMA BRCA1/2 Classification Criteria (2017-06-29). Collection method: curation. Allele origin: germline. Study: ENIGMA.
Comment: Variant allele predicted to encode a truncated non-functional protein.

Labcorp Genetics (formerly Invitae), Labcorp
Classification: Pathogenic for Hereditary breast ovarian cancer syndrome. Last evaluated: 2025-06-30. Review status: criteria provided, single submitter. Criteria: Invitae Variant Classification Sherloc (09022015). Collection method: clinical testing. Allele origin: germline. Not counted in ClinVar's aggregate classification.
Comment: This sequence change creates a premature translational stop signal (p.Glu1021Thrfs*2) in the BRCA2 gene. It is expected to result in an absent or disrupted protein product. Loss-of-function variants in BRCA2 are known to be pathogenic (PMID: 20104584). This variant is not present in population databases (gnomAD no frequency). This variant has not been reported in the literature in individuals affected with BRCA2-related conditions. ClinVar contains an entry for this variant (Variation ID: 420963). For these reasons, this variant has been classified as Pathogenic.

Myriad Genetics, Inc.
Classification: Pathogenic for Breast-ovarian cancer, familial, susceptibility to, 2. Last evaluated: 2025-02-21. Review status: criteria provided, single submitter. Criteria: Myriad Autosomal Dominant, Autosomal Recessive and X-Linked Classification Criteria (2023). Collection method: clinical testing. Allele origin: unknown. Not counted in ClinVar's aggregate classification.
Comment: This variant is considered pathogenic. This variant creates a frameshift predicted to result in premature protein truncation.

GeneDx
Classification: Pathogenic. Last evaluated: 2016-04-15. Review status: criteria provided, single submitter. Criteria: GeneDx Variant Classification (06012015). Collection method: clinical testing. Allele origin: germline. Affected: yes. Not counted in ClinVar's aggregate classification.
Comment: This deletion of 2 nucleotides in BRCA2 is denoted c.3060_3061delTG at the cDNA level and p.Glu1021ThrfsX2 (E1021TfsX2) at the protein level. The normal sequence, with the bases that are deleted in braces, is TCTC[TG]AACA. The deletion causes a frameshift which changes a Glutamic Acid to a Threonine at codon 1021, and creates a premature stop codon at position 2 of the new reading frame. Although this variant has not, to our knowledge, been reported in the literature, it is predicted to cause loss of normal protein function through either protein truncation or nonsense-mediated mRNA decay. We consider this variant to be pathogenic.

Literature cited by the submitters: PubMed 20104584 (cited by Labcorp Genetics (formerly Invitae), Labcorp).